The following is an entry in ClinVar:

NM_000019.4(ACAT1):c.941-60T>C

Gene: ACAT1 (acetyl-CoA acetyltransferase 1; plus strand). Cytogenetic location: 11q22.3.
Variant type: single nucleotide variant.
Coding change: c.941-60T>C on transcript NM_000019.4 (MANE Select); 60 bases into the intron before coding-DNA position 941, T replaced by C.
Molecular consequence: intron variant.
Genome position (GRCh38, 1-based): chr11:108,143,923, T>C. VCF-style: chr11-108143923-T-C. GRCh37 (hg19) VCF-style: chr11-108014650-T-C.
Other names: c.671-60T>C (NM_001386682.1, NM_001386681.1, NM_001386685.1 and 6 more transcripts); c.941-60T>C (NM_001386677.1); c.644-60T>C (NM_001386679.1); c.626-60T>C (NM_001386678.1).
Identifiers: ClinVar variation 4529481 (VCV004529481.1).

ClinVar aggregate classification (germline): Pathogenic (1 of 4 stars; one submission).

Conditions:
Deficiency of acetyl-CoA acetyltransferase. Also called: MITOCHONDRIAL ACETOACETYL-CoA THIOLASE DEFICIENCY; Beta-ketothiolase deficiency; 3-KETOTHIOLASE DEFICIENCY; 3-OXOTHIOLASE DEFICIENCY. Identifiers: Orphanet 134, MedGen C1536500, MONDO:0008760, OMIM 203750. Disease mechanism: loss of function.

Submission:

Centro de Biología Molecular Severo Ochoa, Universidad Autónoma de Madrid
Classification: Pathogenic for Deficiency of acetyl-CoA acetyltransferase. Last evaluated: 2025-11-10. Review status: criteria provided, single submitter. Criteria: ACMG Guidelines, 2015. Collection method: clinical testing. Allele origin: unknown. Inheritance: Autosomal recessive inheritance. Affected: yes.
Comment: Since the variant has an effect at the mRNA level (functional genomics), is not present in population frequency databases, and the phenotype of the patient is compatible with defects in this gene, we classify this variant as pathogenic according to ACMG guidelines